The following is an entry in ClinVar:

NM_001042492.3(NF1):c.6833G>T (p.Cys2278Phe)

Gene: NF1 (neurofibromin 1; plus strand). Cytogenetic location: 17q11.2.
Variant type: single nucleotide variant.
Coding change: c.6833G>T on transcript NM_001042492.3 (MANE Select); coding-DNA position 6833, G replaced by T.
Protein change: p.Cys2278Phe; replaces cysteine 2278 with phenylalanine.
Molecular consequence: missense variant.
Genome position (GRCh38, 1-based): chr17:31,338,717, G>T. VCF-style: chr17-31338717-G-T. GRCh37 (hg19) VCF-style: chr17-29665735-G-T.
Other names: c.6770G>T, p.Cys2257Phe (NM_000267.4); short protein forms C2257F, C2278F.
Identifiers: ClinVar variation 3879027 (VCV003879027.1).
Genomic context (GRCh38, chr17:31,338,717, plus strand): 5'-GTTTTATTTCAATGAAAGTAAAATAAAAAATTCTGTTTTCCTAAAAGGCACTTGAGAGTT[G>T]CTTAAAAGGACCTGACACTTACAACAGTCAAGTTCTGATAGAAGCTACAGTAATAGCACT-3'
Protein context (NP_001035957.1, residues 2268-2288): IRILSKALES[Cys2278Phe]LKGPDTYNSQ

ClinVar aggregate classification (germline): Uncertain significance (1 of 4 stars; one submission).

Conditions:
Cardiovascular phenotype. Identifiers: MedGen CN230736.
Hereditary cancer-predisposing syndrome. Also called: Tumor predisposition; Neoplastic Syndromes, Hereditary; Hereditary Cancer Syndrome; Hereditary neoplastic syndrome. Identifiers: Orphanet 140162, MedGen C0027672, MeSH D009386, MONDO:0015356.

Submission:

Ambry Genetics
Classification: Uncertain significance for Cardiovascular phenotype; Hereditary cancer-predisposing syndrome. Last evaluated: 2024-12-26. Review status: criteria provided, single submitter. Criteria: Ambry Variant Classification Scheme 2023. Collection method: clinical testing. Allele origin: germline.
Comment: The p.C2257F variant (also known as c.6770G>T), located in coding exon 45 of the NF1 gene, results from a G to T substitution at nucleotide position 6770. The cysteine at codon 2257 is replaced by phenylalanine, an amino acid with highly dissimilar properties. This amino acid position is conserved. In addition, the in silico prediction for this alteration is inconclusive. Based on the available evidence, the clinical significance of this variant remains unclear.